The following is an entry in ClinVar:

NM_015046.7(SETX):c.3199A>G (p.Thr1067Ala)

Gene: SETX (senataxin; minus strand). Cytogenetic location: 9q34.13.
Variant type: single nucleotide variant.
Coding change: c.3199A>G on transcript NM_015046.7 (MANE Select); coding-DNA position 3199, A replaced by G.
Protein change: p.Thr1067Ala; replaces threonine 1067 with alanine.
Molecular consequence: missense variant.
Genome position (GRCh38, 1-based): chr9:132,328,399, T>C on the plus strand (A>G on the coding strand, the complement: SETX is on the minus strand). VCF-style: chr9-132328399-T-C. GRCh37 (hg19) VCF-style: chr9-135203786-T-C.
Other names: c.3199A>G, p.Thr1067Ala (NM_001351527.2, NM_001351528.2); short protein forms T1067A.
Identifiers: ClinVar variation 4538107 (VCV004538107.1).

ClinVar aggregate classification (germline): Uncertain significance (1 of 4 stars; one submission).

gnomAD v4.1: 4 of 1,614,024 alleles (0.00025%); highest among the groups gnomAD compares: Admixed American, 0.0017%; no homozygotes.

Submission:

GeneDx
Classification: Uncertain significance. Last evaluated: 2025-06-10. Review status: criteria provided, single submitter. Criteria: GeneDx Variant Classification Process June 2021. Collection method: clinical testing. Allele origin: germline. Affected: yes.
Comment: Not observed at significant frequency in large population cohorts (gnomAD); In silico analysis suggests that this missense variant does not alter protein structure/function; Has not been previously published as pathogenic or benign to our knowledge